The following is an entry in ClinVar:

NM_012123.4(MTO1):c.691G>C (p.Val231Leu)

Gene: MTO1 (mitochondrial tRNA translation optimization 1; plus strand). Cytogenetic location: 6q13.
Variant type: single nucleotide variant.
Coding change: c.691G>C on transcript NM_012123.4 (MANE Select); coding-DNA position 691, G replaced by C.
Protein change: p.Val231Leu; replaces valine 231 with leucine.
Molecular consequence: missense variant.
Genome position (GRCh38, 1-based): chr6:73,473,520, G>C. VCF-style: chr6-73473520-G-C. GRCh37 (hg19) VCF-style: chr6-74183243-G-C.
Other names: c.691G>C, p.Val231Leu (NM_001123226.2, NM_133645.3); c.691G>C (NM_001123226.1); short protein forms V231L.
Identifiers: ClinVar variation 1403697 (VCV001403697.4), dbSNP rs150037981, ClinGen allele CA3889421.

ClinVar aggregate classification (germline): Uncertain significance. Review status: criteria provided, multiple submitters, no conflicts (2 of 4 stars). 2 submissions from 2 submitters: Uncertain significance (2). Last evaluated 2025-08-31.

Conditions:
Mitochondrial hypertrophic cardiomyopathy with lactic acidosis due to MTO1 deficiency. Also called: Combined oxidative phosphorylation deficiency 10; CARDIOMYOPATHY, INFANTILE HYPERTROPHIC MITOCHONDRIAL, AND LACTIC ACIDOSIS. Identifiers: Orphanet 314637, MedGen C4749921, MONDO:0013865, OMIM 614702.
Inborn genetic diseases. Identifiers: MedGen C0950123, MeSH D030342.

Allele frequency attached by ClinVar (database versions not stated): gnomAD exomes 0.00001 and 0.00003; ExAC 0.00004; TOPMed 0.00013; gnomAD 0.00014 and 0.00019; 1000 Genomes Project 30x 0.00078; 1000 Genomes Project 0.00100.
gnomAD v4.1: 48 of 1,614,096 alleles (0.003%); highest among the groups gnomAD compares: African/African-American, 0.057%; no homozygotes.

Submissions (2):

Ambry Genetics
Classification: Uncertain significance for Inborn genetic diseases. Last evaluated: 2025-08-31. Review status: criteria provided, single submitter. Criteria: Ambry Variant Classification Scheme 2023. Collection method: clinical testing. Allele origin: germline.

Labcorp Genetics (formerly Invitae), Labcorp
Classification: Uncertain significance for Mitochondrial hypertrophic cardiomyopathy with lactic acidosis due to MTO1 deficiency. Last evaluated: 2022-08-05. Review status: criteria provided, single submitter. Criteria: Invitae Variant Classification Sherloc (09022015). Collection method: clinical testing. Allele origin: germline.
Comment: This sequence change replaces valine, which is neutral and non-polar, with leucine, which is neutral and non-polar, at codon 231 of the MTO1 protein (p.Val231Leu). This variant is present in population databases (rs150037981, gnomAD 0.03%). This variant has not been reported in the literature in individuals affected with MTO1-related conditions. ClinVar contains an entry for this variant (Variation ID: 1403697). Algorithms developed to predict the effect of missense changes on protein structure and function (SIFT, PolyPhen-2, Align-GVGD) all suggest that this variant is likely to be tolerated. In summary, the available evidence is currently insufficient to determine the role of this variant in disease. Therefore, it has been classified as a Variant of Uncertain Significance.